The following is an entry in ClinVar:

NM_005032.7(PLS3):c.974T>C (p.Met325Thr)

Gene: PLS3 (plastin 3; plus strand). Cytogenetic location: Xq23.
Variant type: single nucleotide variant.
Coding change: c.974T>C on transcript NM_005032.7 (MANE Select); coding-DNA position 974, T replaced by C.
Protein change: p.Met325Thr; replaces methionine 325 with threonine.
Molecular consequence: missense variant.
Genome position (GRCh38, 1-based): chrX:115,640,490, T>C. VCF-style: chrX-115640490-T-C. GRCh37 (hg19) VCF-style: chrX-114874802-T-C.
Other names: c.974T>C, p.Met325Thr (NM_001136025.5); c.893T>C, p.Met298Thr (NM_001172335.3); c.935T>C, p.Met312Thr (NM_001282337.2); c.839T>C, p.Met280Thr (NM_001282338.2); short protein forms M298T, M280T, M325T, M312T.
Identifiers: ClinVar variation 1441208 (VCV001441208.8), dbSNP rs142569974, ClinGen allele CA10496984.
Genomic context (GRCh38, chrX:115,640,490, plus strand): 5'-TTCTCAATCAAATCGCACCAAAAGGACAAAAGGAAGGTGAACCACGGATAGATATTAACA[T>C]GTCAGGTTTCAATGTAAGTATAAGTGCTCTTTTGAATTCTACAATCTTGCAAAATTATTG-3'
Protein context (NP_005023.2, residues 315-335): KEGEPRIDIN[Met325Thr]SGFNETDDLK

ClinVar aggregate classification (germline): Uncertain significance (1 of 4 stars; one submission).

Allele frequency attached by ClinVar (database versions not stated): ExAC 0.00002; gnomAD 0.00003; gnomAD exomes 0.00003 and 0.00007; TOPMed 0.00005; ESP Exome Variant Server 0.00019.
gnomAD v4.1: 76 of 1,139,971 alleles (0.0067%); highest among the groups gnomAD compares: Non-Finnish European, 0.0088%; no homozygotes.

Submission:

Labcorp Genetics (formerly Invitae), Labcorp
Classification: Uncertain significance. Last evaluated: 2024-08-05. Review status: criteria provided, single submitter. Criteria: Invitae Variant Classification Sherloc (09022015). Collection method: clinical testing. Allele origin: germline.
Comment: This sequence change replaces methionine, which is neutral and non-polar, with threonine, which is neutral and polar, at codon 325 of the PLS3 protein (p.Met325Thr). This variant is present in population databases (rs142569974, gnomAD 0.005%). This variant has not been reported in the literature in individuals affected with PLS3-related conditions. ClinVar contains an entry for this variant (Variation ID: 1441208). Advanced modeling of protein sequence and biophysical properties (such as structural, functional, and spatial information, amino acid conservation, physicochemical variation, residue mobility, and thermodynamic stability) performed at Invitae indicates that this missense variant is not expected to disrupt PLS3 protein function with a negative predictive value of 80%. In summary, the available evidence is currently insufficient to determine the role of this variant in disease. Therefore, it has been classified as a Variant of Uncertain Significance.